The following is an entry in ClinVar:

NM_003597.5(KLF11):c.*980T>C

Gene: KLF11 (KLF transcription factor 11; plus strand). Cytogenetic location: 2p25.1.
Variant type: single nucleotide variant.
Coding change: c.*980T>C on transcript NM_003597.5 (MANE Select); 980 bases downstream of the stop codon, T replaced by C.
Molecular consequence: 3 prime UTR variant.
Genome position (GRCh38, 1-based): chr2:10,053,487, T>C. VCF-style: chr2-10053487-T-C. GRCh37 (hg19) VCF-style: chr2-10193614-T-C.
Other names: c.*980T>C (NM_001177716.2, NM_001177718.2).
Identifiers: ClinVar variation 330661 (VCV000330661.5), dbSNP rs113527829, ClinGen allele CA10610531.

ClinVar aggregate classification (germline): Benign (1 of 4 stars; one submission).

Conditions:
Maturity-onset diabetes of the young type 7 (MODY7). Identifiers: Orphanet 552, MedGen C1864839, MONDO:0012513, OMIM 610508.

Allele frequency attached by ClinVar (database versions not stated): 1000 Genomes Project 30x 0.00281; gnomAD 0.00303; TOPMed 0.00311; 1000 Genomes Project 0.00319.
gnomAD v4.1: 567 of 398,714 alleles (0.14%); highest among the groups gnomAD compares: African/African-American, 1%; 3 homozygotes.

Submission:

Illumina Laboratory Services, Illumina
Classification: Benign for Maturity-onset diabetes of the young type 7. Last evaluated: 2018-01-12. Review status: criteria provided, single submitter. Criteria: ICSL Variant Classification Criteria 13 December 2019. Collection method: clinical testing. Allele origin: germline.
Comment: This variant was observed in the ICSL laboratory as part of a predisposition screen in an ostensibly healthy population. It had not been previously curated by ICSL or reported in the Human Gene Mutation Database (HGMD: prior to June 1st, 2018), and was therefore a candidate for classification through an automated scoring system. Utilizing variant allele frequency, disease prevalence and penetrance estimates, and inheritance mode, an automated score was calculated to assess if this variant is too frequent to cause the disease. Based on the score and internal cut-off values, a variant classified as benign is not then subjected to further curation. The score for this variant resulted in a classification of benign for this disease.